The following is an entry in ClinVar:

NM_024408.4(NOTCH2):c.3969T>G (p.Ser1323Arg)

Gene: NOTCH2 (notch receptor 2; minus strand). Cytogenetic location: 1p12.
Variant type: single nucleotide variant.
Coding change: c.3969T>G on transcript NM_024408.4 (MANE Select); coding-DNA position 3969, T replaced by G.
Protein change: p.Ser1323Arg; replaces serine 1323 with arginine.
Molecular consequence: missense variant.
Genome position (GRCh38, 1-based): chr1:119,926,535, A>C on the plus strand (T>G on the coding strand, the complement: NOTCH2 is on the minus strand). VCF-style: chr1-119926535-A-C. GRCh37 (hg19) VCF-style: chr1-120469158-A-C.
Other names: short protein forms S1323R.
Identifiers: ClinVar variation 5007285 (VCV005007285.2).

ClinVar aggregate classification (germline): Uncertain significance (1 of 4 stars; one submission).

Conditions:
Alagille syndrome due to a NOTCH2 point mutation. Also called: Alagille syndrome 2. Identifiers: Orphanet 261629, Orphanet 52, MedGen C1857761, MONDO:0012439, OMIM 610205.
Hajdu-Cheney syndrome (HJCYS). Also called: SERPENTINE FIBULA-POLYCYSTIC KIDNEY SYNDROME; ACROOSTEOLYSIS WITH OSTEOPOROSIS AND CHANGES IN SKULL AND MANDIBLE; Acroosteolysis dominant type. Identifiers: Orphanet 955, MedGen C0917715, MONDO:0007057, OMIM 102500.

Submission:

Juno Genomics, Hangzhou Juno Genomics, Inc
Classification: Uncertain significance for Alagille syndrome due to a NOTCH2 point mutation; Hajdu-Cheney syndrome. Review status: criteria provided, single submitter. Criteria: ACMG Guidelines, 2015. Collection method: clinical testing. Allele origin: germline.
Comment: Absent from controls (or at extremely low frequency if recessive) in Genome Aggregation Database.;Missense variant in a gene that has a low rate of benign missense variation.